The following is an entry in ClinVar:

NM_005996.4(TBX3):c.1094A>G (p.His365Arg)

Gene: TBX3 (T-box transcription factor 3; minus strand). Cytogenetic location: 12q24.21.
Variant type: single nucleotide variant.
Coding change: c.1094A>G on transcript NM_005996.4 (MANE Select); coding-DNA position 1094, A replaced by G.
Protein change: p.His365Arg; replaces histidine 365 with arginine.
Molecular consequence: missense variant.
Genome position (GRCh38, 1-based): chr12:114,674,781, T>C on the plus strand (A>G on the coding strand, the complement: TBX3 is on the minus strand). VCF-style: chr12-114674781-T-C. GRCh37 (hg19) VCF-style: chr12-115112586-T-C.
Other names: c.1154A>G, p.His385Arg (NM_016569.4); short protein forms H365R, H385R.
Identifiers: ClinVar variation 307369 (VCV000307369.22), dbSNP rs141004177, ClinGen allele CA6810001.

ClinVar aggregate classification (germline): Benign/Likely benign. Review status: criteria provided, multiple submitters, no conflicts (2 of 4 stars). 4 submissions from 4 submitters: Benign (2); Likely benign (2). Last evaluated 2026-01-25.

Conditions:
Ulnar-mammary syndrome (UMS). Also called: SCHINZEL SYNDROME; Ulnar-mammary syndrome of Pallister; PALLISTER ULNAR-MAMMARY SYNDROME. Identifiers: Orphanet 3138, MedGen C1866994, MONDO:0008411, OMIM 181450.

Allele frequency attached by ClinVar (database versions not stated): gnomAD exomes 0.00080 and 0.00217; ExAC 0.00451; gnomAD 0.00869 and 0.00944; ESP Exome Variant Server 0.00889; TOPMed 0.00935; 1000 Genomes Project 30x 0.00937; 1000 Genomes Project 0.00938.
gnomAD v4.1: 2,496 of 1,585,550 alleles (0.16%); highest among the groups gnomAD compares: African/African-American, 3.1%; 42 homozygotes.

Submissions (4):

Labcorp Genetics (formerly Invitae), Labcorp
Classification: Benign for Ulnar-mammary syndrome. Last evaluated: 2026-01-25. Review status: criteria provided, single submitter. Criteria: Invitae Variant Classification Sherloc (09022015). Collection method: clinical testing. Allele origin: germline.

GeneDx
Classification: Likely benign. Last evaluated: 2025-04-30. Review status: criteria provided, single submitter. Criteria: GeneDx Variant Classification Process June 2021. Collection method: clinical testing. Allele origin: germline. Affected: yes.
Comment: See Variant Classification Assertion Criteria.

Illumina Laboratory Services, Illumina
Classification: Benign for Ulnar-mammary syndrome. Last evaluated: 2018-01-12. Review status: criteria provided, single submitter. Criteria: ICSL Variant Classification Criteria 13 December 2019. Collection method: clinical testing. Allele origin: germline.
Comment: This variant was observed in the ICSL laboratory as part of a predisposition screen in an ostensibly healthy population. It had not been previously curated by ICSL or reported in the Human Gene Mutation Database (HGMD: prior to June 1st, 2018), and was therefore a candidate for classification through an automated scoring system. Utilizing variant allele frequency, disease prevalence and penetrance estimates, and inheritance mode, an automated score was calculated to assess if this variant is too frequent to cause the disease. Based on the score and internal cut-off values, a variant classified as benign is not then subjected to further curation. The score for this variant resulted in a classification of benign for this disease.

Breakthrough Genomics
Classification: Likely benign. Review status: criteria provided, single submitter. Criteria: ACMG Guidelines, 2015. Collection method: not provided. Allele origin: germline. Inheritance: Autosomal dominant inheritance. Affected: yes.